The following is an entry in ClinVar:

NM_021927.3(GUF1):c.1501A>C (p.Asn501His)

Gene: GUF1 (GTP binding elongation factor GUF1; plus strand). Cytogenetic location: 4p12.
Variant type: single nucleotide variant.
Coding change: c.1501A>C on transcript NM_021927.3 (MANE Select); coding-DNA position 1501, A replaced by C.
Protein change: p.Asn501His; replaces asparagine 501 with histidine.
Molecular consequence: missense variant.
Genome position (GRCh38, 1-based): chr4:44,691,687, A>C. VCF-style: chr4-44691687-A-C. GRCh37 (hg19) VCF-style: chr4-44693704-A-C.
Other names: c.529A>C, p.Asn177His (NM_001345867.2, NM_001345869.2); c.1501A>C, p.Asn501His (NM_001345868.2); short protein forms N501H, N177H.
Identifiers: ClinVar variation 1466861 (VCV001466861.8), dbSNP rs2109657515, ClinGen allele CA356764097.
Genomic context (GRCh38, chr4:44,691,687, plus strand): 5'-AGGTTATCATTAAACCCATTTTCTTCCTTCCCTTTTTAGGCTCGAAGAGCAGTTCAGAAG[A>C]ATATGATATTTATTGATCAAAATAGAGTTATGCTTAAATATCTCTTTCCTTTGAATGAAA-3'
Protein context (NP_068746.2, residues 491-511): LCEARRAVQK[Asn501His]MIFIDQNRVM

ClinVar aggregate classification (germline): Uncertain significance (1 of 4 stars; one submission).

Submission:

Labcorp Genetics (formerly Invitae), Labcorp
Classification: Uncertain significance. Last evaluated: 2022-05-27. Review status: criteria provided, single submitter. Criteria: Invitae Variant Classification Sherloc (09022015). Collection method: clinical testing. Allele origin: germline.
Comment: This sequence change replaces asparagine, which is neutral and polar, with histidine, which is basic and polar, at codon 501 of the GUF1 protein (p.Asn501His). This variant is not present in population databases (gnomAD no frequency). This variant has not been reported in the literature in individuals affected with GUF1-related conditions. Algorithms developed to predict the effect of missense changes on protein structure and function output the following: SIFT: "Tolerated"; PolyPhen-2: "Benign"; Align-GVGD: "Class C0". The histidine amino acid residue is found in multiple mammalian species, which suggests that this missense change does not adversely affect protein function. Algorithms developed to predict the effect of sequence changes on RNA splicing suggest that this variant may disrupt the consensus splice site. In summary, the available evidence is currently insufficient to determine the role of this variant in disease. Therefore, it has been classified as a Variant of Uncertain Significance.